The following is an entry in ClinVar:

ClinVar aggregate classification (germline): Uncertain significance (1 of 4 stars; one submission).

gnomAD v4.1: 1 of 1,557,414 alleles (0.000064%); highest among the groups gnomAD compares: Non-Finnish European, 0.000087%; no homozygotes.

Submission:

GeneDx
Classification: Uncertain significance. Last evaluated: 2024-04-21. Review status: criteria provided, single submitter. Criteria: GeneDx Variant Classification Process June 2021. Collection method: clinical testing. Allele origin: germline. Affected: yes.
Comment: Not observed at significant frequency in large population cohorts (gnomAD); In silico analysis indicates that this missense variant does not alter protein structure/function; Has not been previously published as pathogenic or benign to our knowledge

NM_001394372.1(BICRA):c.3859G>A (p.Gly1287Ser)

Gene: BICRA (BRD4 interacting chromatin remodeling complex associated protein; plus strand). Cytogenetic location: 19q13.33.
Variant type: single nucleotide variant.
Coding change: c.3859G>A on transcript NM_001394372.1 (MANE Select); coding-DNA position 3859, G replaced by A.
Protein change: p.Gly1287Ser; replaces glycine 1287 with serine.
Molecular consequence: missense variant.
Genome position (GRCh38, 1-based): chr19:47,701,591, G>A. VCF-style: chr19-47701591-G-A. GRCh37 (hg19) VCF-style: chr19-48204848-G-A.
Other names: c.3859G>A, p.Gly1287Ser (NM_015711.3); short protein forms G1287S.
Identifiers: ClinVar variation 3372664 (VCV003372664.1).